The following is an entry in ClinVar:

NM_022464.5(SIL1):c.1029+6T>C

Gene: SIL1 (SIL1 nucleotide exchange factor; minus strand). Cytogenetic location: 5q31.2.
Variant type: single nucleotide variant.
Coding change: c.1029+6T>C on transcript NM_022464.5 (MANE Select); 6 bases into the intron after coding-DNA position 1029, T replaced by C.
Molecular consequence: intron variant.
Genome position (GRCh38, 1-based): chr5:138,951,165, A>G on the plus strand (T>C on the coding strand, the complement: SIL1 is on the minus strand). VCF-style: chr5-138951165-A-G. GRCh37 (hg19) VCF-style: chr5-138286854-A-G.
Other names: p.?; c.1029+6T>C (NM_001037633.2).
Identifiers: ClinVar variation 286857 (VCV000286857.22), dbSNP rs57028146, ClinGen allele CA3432408.

ClinVar aggregate classification (germline): Benign. Review status: criteria provided, multiple submitters, no conflicts (2 of 4 stars). 6 submissions from 6 submitters: Benign (6). Last evaluated 2026-02-01.

Conditions:
Marinesco-Sjögren syndrome (MSS). Also called: Marinesco-Sjogren Syndrome; Marinesco-SjÃ¶gren syndrome. Identifiers: Orphanet 559, MedGen C0024814, MONDO:0009567, OMIM 248800.

Allele frequency attached by ClinVar (database versions not stated): gnomAD exomes 0.00219 and 0.00577; ExAC 0.00852; gnomAD 0.02365 and 0.02536; 1000 Genomes Project 30x 0.02374; 1000 Genomes Project 0.02456; ESP Exome Variant Server 0.02599; TOPMed 0.02632.
gnomAD v4.1: 7,026 of 1,610,568 alleles (0.44%); highest among the groups gnomAD compares: African/African-American, 8.1%; 255 homozygotes.

Submissions (15):

Labcorp Genetics (formerly Invitae), Labcorp
Classification: Benign for Marinesco-Sjögren syndrome. Last evaluated: 2026-02-01. Review status: criteria provided, single submitter. Criteria: Invitae Variant Classification Sherloc (09022015). Collection method: clinical testing. Allele origin: germline.

Athena Diagnostics
Classification: Benign. Last evaluated: 2025-10-27. Review status: criteria provided, single submitter. Criteria: Athena Diagnostics Criteria. Collection method: clinical testing. Allele origin: unknown.
Comment: The frequency of this variant in the general population is higher than would generally be expected for pathogenic variants in this gene.

Mayo Clinic Laboratories, Mayo Clinic
Classification: Benign. Last evaluated: 2022-03-23. Review status: criteria provided, single submitter. Criteria: ACMG Guidelines, 2015. Collection method: clinical testing. Allele origin: germline. Observed: 6 variant alleles.

Illumina Laboratory Services, Illumina
Classification: Benign for Marinesco-Sjögren syndrome. Last evaluated: 2018-01-12. Review status: criteria provided, single submitter. Criteria: ICSL Variant Classification Criteria 13 December 2019. Collection method: clinical testing. Allele origin: germline.
Comment: This variant was observed in the ICSL laboratory as part of a predisposition screen in an ostensibly healthy population. It had not been previously curated by ICSL or reported in the Human Gene Mutation Database (HGMD: prior to June 1st, 2018), and was therefore a candidate for classification through an automated scoring system. Utilizing variant allele frequency, disease prevalence and penetrance estimates, and inheritance mode, an automated score was calculated to assess if this variant is too frequent to cause the disease. Based on the score and internal cut-off values, a variant classified as benign is not then subjected to further curation. The score for this variant resulted in a classification of benign for this disease.

GeneDx
Classification: Benign. Last evaluated: 2016-05-04. Review status: criteria provided, single submitter. Criteria: GeneDx Variant Classification (06012015). Collection method: clinical testing. Allele origin: germline. Affected: yes.
Comment: This variant is considered likely benign or benign based on one or more of the following criteria: it is a conservative change, it occurs at a poorly conserved position in the protein, it is predicted to be benign by multiple in silico algorithms, and/or has population frequency not consistent with disease.

Eurofins Ntd Llc (ga)
Classification: Benign. Last evaluated: 2016-03-21. Review status: criteria provided, single submitter. Criteria: EGL Classification Definitions 2015. Collection method: clinical testing. Allele origin: germline. Observed: 1 variant allele, 1 heterozygote.

Dr. Peter K. Rogan Lab, Western University
No classification provided (evidence only). Condition: Acute myeloid leukemia. Review status: no classification provided. Collection method: in vitro. Allele origin: not applicable. Functional consequence: retained intron. Not counted in ClinVar's aggregate classification.

Dr. Peter K. Rogan Lab, Western University
No classification provided (evidence only). Condition: Acute myeloid leukemia. Review status: no classification provided. Collection method: in vitro. Allele origin: not applicable. Functional consequence: retained intron. Not counted in ClinVar's aggregate classification.

Dr. Peter K. Rogan Lab, Western University
No classification provided (evidence only). Condition: Uterine corpus endometrial carcinoma. Review status: no classification provided. Collection method: in vitro. Allele origin: not applicable. Functional consequence: retained intron. Not counted in ClinVar's aggregate classification.

Dr. Peter K. Rogan Lab, Western University
No classification provided (evidence only). Condition: Cervical cancer. Review status: no classification provided. Collection method: in vitro. Allele origin: not applicable. Functional consequence: skipped exon. Not counted in ClinVar's aggregate classification.

Dr. Peter K. Rogan Lab, Western University
No classification provided (evidence only). Condition: Cervical cancer. Review status: no classification provided. Collection method: in vitro. Allele origin: not applicable. Functional consequence: skipped exon, retained intron. Not counted in ClinVar's aggregate classification.

Dr. Peter K. Rogan Lab, Western University
No classification provided (evidence only). Condition: Sarcoma. Review status: no classification provided. Collection method: in vitro. Allele origin: not applicable. Functional consequence: skipped exon, retained intron. Not counted in ClinVar's aggregate classification.

Dr. Peter K. Rogan Lab, Western University
No classification provided (evidence only). Condition: Ovarian serous cystadenocarcinoma. Review status: no classification provided. Collection method: in vitro. Allele origin: not applicable. Functional consequence: retained intron. Not counted in ClinVar's aggregate classification.

Dr. Peter K. Rogan Lab, Western University
No classification provided (evidence only). Condition: Ovarian serous cystadenocarcinoma. Review status: no classification provided. Collection method: in vitro. Allele origin: not applicable. Functional consequence: retained intron. Not counted in ClinVar's aggregate classification.

Dr. Peter K. Rogan Lab, Western University
No classification provided (evidence only). Condition: Malignant tumor of esophagus. Review status: no classification provided. Collection method: in vitro. Allele origin: not applicable. Functional consequence: retained intron. Not counted in ClinVar's aggregate classification.